The following is an entry in ClinVar:

NM_004360.5(CDH1):c.2207T>C (p.Val736Ala)

Gene: CDH1 (cadherin 1; plus strand). Cytogenetic location: 16q22.1.
Variant type: single nucleotide variant.
Coding change: c.2207T>C on transcript NM_004360.5 (MANE Select); coding-DNA position 2207, T replaced by C.
Protein change: p.Val736Ala; replaces valine 736 with alanine.
Molecular consequence: missense variant.
Genome position (GRCh38, 1-based): chr16:68,828,216, T>C. VCF-style: chr16-68828216-T-C. GRCh37 (hg19) VCF-style: chr16-68862119-T-C.
Other names: c.2024T>C, p.Val675Ala (NM_001317184.2); c.659T>C, p.Val220Ala (NM_001317185.2); c.242T>C, p.Val81Ala (NM_001317186.2); short protein forms V220A, V736A, V81A, V675A.
Identifiers: ClinVar variation 801141 (VCV000801141.14), dbSNP rs1596970752, ClinGen allele CA396469581.
Genomic context (GRCh38, chr16:68,828,216, plus strand): 5'-TCTCCCCCACCATCCCAGTTCTGATTCTGCTGCTCTTGCTGTTTCTTCGGAGGAGAGCGG[T>C]GGTCAAAGAGCCCTTACTGCCCCCAGAGGATGACACCCGGGACAACGTTTATTACTATGA-3'
Protein context (NP_004351.1, residues 726-746): LLLLFLRRRA[Val736Ala]VKEPLLPPED

ClinVar aggregate classification (germline): Conflicting classifications of pathogenicity. Review status: criteria provided, conflicting classifications (1 of 4 stars). 4 submissions from 4 submitters: Uncertain significance (3); Likely benign (1). Last evaluated 2026-07-28.

Conditions:
Hereditary cancer-predisposing syndrome. Also called: Tumor predisposition; Hereditary Cancer Syndrome; Neoplastic Syndromes, Hereditary; Hereditary neoplastic syndrome. Identifiers: Orphanet 140162, MedGen C0027672, MeSH D009386, MONDO:0015356.
Hereditary diffuse gastric adenocarcinoma (HDGC). Also called: DIFFUSE GASTRIC AND LOBULAR BREAST CANCER SYNDROME. Identifiers: Orphanet 26106, MedGen C1708349, MONDO:0007648, OMIM 137215.

Submissions (4):

Ambry Genetics
Classification: Likely benign for Hereditary cancer-predisposing syndrome. Last evaluated: 2026-07-28. Review status: criteria provided, single submitter. Criteria: Ambry Variant Classification Scheme 2023. Collection method: clinical testing. Allele origin: germline.

Labcorp Genetics (formerly Invitae), Labcorp
Classification: Uncertain significance for Hereditary diffuse gastric adenocarcinoma. Last evaluated: 2025-04-14. Review status: criteria provided, single submitter. Criteria: Invitae Variant Classification Sherloc (09022015). Collection method: clinical testing. Allele origin: germline.
Comment: This sequence change replaces valine, which is neutral and non-polar, with alanine, which is neutral and non-polar, at codon 736 of the CDH1 protein (p.Val736Ala). This variant is not present in population databases (gnomAD no frequency). This variant has not been reported in the literature in individuals affected with CDH1-related conditions. ClinVar contains an entry for this variant (Variation ID: 801141). An algorithm developed to predict the effect of missense changes on protein structure and function outputs the following: PolyPhen-2: "Benign". The alanine amino acid residue is found in multiple mammalian species, which suggests that this missense change does not adversely affect protein function. In summary, the available evidence is currently insufficient to determine the role of this variant in disease. Therefore, it has been classified as a Variant of Uncertain Significance.

Sema4
Classification: Uncertain significance for Hereditary cancer-predisposing syndrome. Last evaluated: 2022-02-09. Review status: criteria provided, single submitter. Criteria: Sema4 Curation Guidelines. Collection method: curation. Allele origin: germline.
Comment: The CDH1 c.2207T>C(p.V736A) variant has not been reported in the literature to our knowledge. This variant is not reported in the population database Genome Aggregation Database (PMID: 32461654). The variant has been reported in ClinVar (Variation ID 801141). In silico tools suggest that the impact of the variant on protein function is benign, although these predictions have not been confirmed by functional studies. The evidence is insufficient to meet ACMG/AMP criteria for classifying the variant as benign or pathogenic. Thus, the clinical significance of this variant is currently uncertain.

Quest Diagnostics Nichols Institute San Juan Capistrano
Classification: Uncertain significance. Last evaluated: 2019-03-06. Review status: criteria provided, single submitter. Criteria: Quest Diagnostics criteria. Collection method: clinical testing. Allele origin: germline.